The following is an entry in ClinVar:

NM_001286445.3(RIPOR2):c.1939A>C (p.Asn647His)

Gene: RIPOR2 (RHO family interacting cell polarization regulator 2; minus strand). Cytogenetic location: 6p22.3.
Variant type: single nucleotide variant.
Coding change: c.1939A>C on transcript NM_001286445.3 (MANE Select); coding-DNA position 1939, A replaced by C.
Protein change: p.Asn647His; replaces asparagine 647 with histidine.
Molecular consequence: missense variant.
Genome position (GRCh38, 1-based): chr6:24,839,191, T>G on the plus strand (A>C on the coding strand, the complement: RIPOR2 is on the minus strand). VCF-style: chr6-24839191-T-G. GRCh37 (hg19) VCF-style: chr6-24839419-T-G.
Other names: c.1852A>C, p.Asn618His (NM_001346031.2, NM_001346032.2); c.2002A>C, p.Asn668His (NM_014722.5); c.2002A>C (NM_014722.2); short protein forms N618H, N647H, N668H.
Identifiers: ClinVar variation 3600639 (VCV003600639.3).

ClinVar aggregate classification (germline): Uncertain significance. Review status: criteria provided, multiple submitters, no conflicts (2 of 4 stars). 2 submissions from 2 submitters: Uncertain significance (2). Last evaluated 2025-10-22.

gnomAD v4.1: 56 of 1,551,654 alleles (0.0036%); highest among the groups gnomAD compares: South Asian, 0.064%; no homozygotes.

Submissions (2):

Ambry Genetics
Classification: Uncertain significance. Last evaluated: 2025-10-22. Review status: criteria provided, single submitter. Criteria: Ambry Variant Classification Scheme 2023. Collection method: clinical testing. Allele origin: germline.

GeneDx
Classification: Uncertain significance. Last evaluated: 2025-03-14. Review status: criteria provided, single submitter. Criteria: GeneDx Variant Classification Process June 2021. Collection method: clinical testing. Allele origin: germline. Affected: yes.
Comment: In silico analysis supports that this missense variant has a deleterious effect on protein structure/function; Has not been previously published as pathogenic or benign to our knowledge; Variants in candidate genes are classified as variants of uncertain significance in accordance with ACMG guidelines (PMID: 25741868)